The following is an entry in ClinVar:

ClinVar aggregate classification (germline): Benign/Likely benign. Review status: criteria provided, multiple submitters, no conflicts (2 of 4 stars). 6 submissions from 6 submitters: Benign (3); Likely benign (3). Last evaluated 2026-01-09.

Conditions:
Inborn genetic diseases. Identifiers: MedGen C0950123, MeSH D030342.
Mowat-Wilson syndrome (MOWS). Also called: Classic Mowat-Wilson Syndrome. Identifiers: Orphanet 2152, MedGen C1856113, MONDO:0009341, OMIM 235730.

Allele frequency attached by ClinVar (database versions not stated): ExAC 0.00007; gnomAD exomes 0.00007 and 0.00010; ESP Exome Variant Server 0.00008; gnomAD 0.00013 and 0.00014; 1000 Genomes Project 0.00020; TOPMed 0.00025; 1000 Genomes Project 30x 0.00031.

Submissions (6):

Labcorp Genetics (formerly Invitae), Labcorp
Classification: Benign for Mowat-Wilson syndrome. Last evaluated: 2026-01-09. Review status: criteria provided, single submitter. Criteria: Invitae Variant Classification Sherloc (09022015). Collection method: clinical testing. Allele origin: germline.

CeGaT Center for Human Genetics Tuebingen
Classification: Likely benign. Last evaluated: 2025-02-01. Review status: criteria provided, single submitter. Criteria: CeGaT Center For Human Genetics Tuebingen Variant Classification Criteria Version 2. Collection method: clinical testing. Allele origin: germline. Affected: yes. Observed: 4 variant alleles.
Comment: ZEB2: BP1, BS2

Blueprint Genetics
Classification: Likely benign. Last evaluated: 2024-02-09. Review status: criteria provided, single submitter. Criteria: ACMG Guidelines, 2015. Collection method: clinical testing. Allele origin: germline.

Ambry Genetics
Classification: Likely benign for Inborn genetic diseases. Last evaluated: 2023-02-06. Review status: criteria provided, single submitter. Criteria: Ambry Variant Classification Scheme 2023. Collection method: clinical testing. Allele origin: germline.

Genome-Nilou Lab
Classification: Benign for Mowat-Wilson syndrome. Last evaluated: 2021-11-07. Review status: criteria provided, single submitter. Criteria: ACMG Guidelines, 2015. Collection method: clinical testing. Allele origin: germline. Affected: no.

GeneDx
Classification: Benign. Last evaluated: 2019-11-19. Review status: criteria provided, single submitter. Criteria: GeneDx Variant Classification Process June 2021. Collection method: clinical testing. Allele origin: germline. Affected: yes.

NM_014795.4(ZEB2):c.3640A>G (p.Met1214Val)

Gene: ZEB2 (zinc finger E-box binding homeobox 2; minus strand). Cytogenetic location: 2q22.3.
Variant type: single nucleotide variant.
Coding change: c.3640A>G on transcript NM_014795.4 (MANE Select); coding-DNA position 3640, A replaced by G.
Protein change: p.Met1214Val; replaces methionine 1214 with valine.
Molecular consequence: missense variant.
Genome position (GRCh38, 1-based): chr2:144,389,456, T>C on the plus strand (A>G on the coding strand, the complement: ZEB2 is on the minus strand). VCF-style: chr2-144389456-T-C. GRCh37 (hg19) VCF-style: chr2-145147023-T-C.
Other names: c.3568A>G, p.Met1190Val (NM_001171653.2); short protein forms M1214V, M1190V.
Identifiers: ClinVar variation 331298 (VCV000331298.61), dbSNP rs199951665, ClinGen allele CA1898093.
Genomic context (GRCh38, chr2:144,389,456, plus strand): 5'-GCAGGTAACAATACTACTGGAAAAAAAAATAGGAAGCTTAAAATGCAGTAGTTTATTACA[T>C]GCCATCTTCCATATTGTCTTCCTCGTGGTCTGATTTGGTTTCCATTTTCCCATCCTCCGA-3'
Protein context (NP_055610.1, residues 1204-1214): DHEEDNMEDG[Met1214Val]